The following is an entry in ClinVar:

ClinVar aggregate classification (germline): Pathogenic (1 of 4 stars; one submission).

Conditions:
Hypertrophic cardiomyopathy. Also called: HYPERTROPHIC MYOCARDIOPATHY. Identifiers: Orphanet 217569, MedGen C0007194, MeSH D002312, MONDO:0005045, HP:0001639.

Submission:

Labcorp Genetics (formerly Invitae), Labcorp
Classification: Pathogenic for Hypertrophic cardiomyopathy. Last evaluated: 2018-03-22. Review status: criteria provided, single submitter. Criteria: Invitae Variant Classification Sherloc (09022015). Collection method: clinical testing. Allele origin: germline.
Comment: Loss-of-function variants in MYBPC3 are known to be pathogenic (PMID: 19574547). This sequence change creates a premature translational stop signal (p.Tyr1119*) in the MYBPC3 gene. It is expected to result in an absent or disrupted protein product. This variant is not present in population databases (ExAC no frequency). This variant has not been reported in the literature in individuals with MYBPC3-related disease. However, a different variant in the same nucleotide (c.3357C>A) causing the same protein effect (p.Tyr1119*) has been reported in an individual affected with hypertrophic cardiomyopathy (PMID: 27532257). For these reasons, this variant has been classified as Pathogenic.

Literature cited by the submitters: PubMed 19574547; PubMed 27532257.

NM_000256.3(MYBPC3):c.3357C>G (p.Tyr1119Ter)

Gene: MYBPC3 (myosin binding protein C3; minus strand). Cytogenetic location: 11p11.2.
Variant type: single nucleotide variant.
Coding change: c.3357C>G on transcript NM_000256.3 (MANE Select); coding-DNA position 3357, C replaced by G.
Protein change: p.Tyr1119Ter; replaces tyrosine 1119 with a stop codon.
Molecular consequence: nonsense.
Genome position (GRCh38, 1-based): chr11:47,332,947, G>C on the plus strand (C>G on the coding strand, the complement: MYBPC3 is on the minus strand). VCF-style: chr11-47332947-G-C. GRCh37 (hg19) VCF-style: chr11-47354498-G-C.
Other names: short protein forms Y1119*.
Identifiers: ClinVar variation 1074948 (VCV001074948.7), dbSNP rs1565622952, ClinGen allele CA380313817.